The following is an entry in ClinVar:

NM_006348.5(COG5):c.141T>C (p.Tyr47=)

Gene: COG5 (component of oligomeric golgi complex 5; minus strand). Cytogenetic location: 7q22.3.
Variant type: single nucleotide variant.
Coding change: c.141T>C on transcript NM_006348.5 (MANE Select); coding-DNA position 141, T replaced by C.
Protein change: p.Tyr47=; no amino-acid change (tyrosine 47 retained).
Molecular consequence: synonymous variant.
Genome position (GRCh38, 1-based): chr7:107,558,069, A>G on the plus strand (T>C on the coding strand, the complement: COG5 is on the minus strand). VCF-style: chr7-107558069-A-G. GRCh37 (hg19) VCF-style: chr7-107198514-A-G.
Other names: c.141T>C, p.Tyr47= (NM_001161520.2, NM_001379511.1, NM_001379512.1 and 5 more transcripts).
Identifiers: ClinVar variation 679495 (VCV000679495.10), dbSNP rs766371051, ClinGen allele CA4431524.

ClinVar aggregate classification (germline): Likely benign. Review status: criteria provided, multiple submitters, no conflicts (2 of 4 stars). 3 submissions from 3 submitters: Likely benign (2). 1 of the submissions does not count toward it. Last evaluated 2025-10-02.

Conditions:
COG5-congenital disorder of glycosylation. Also called: CDG IIi; CONGENITAL DISORDER OF GLYCOSYLATION, TYPE IIi; COG5-CDG. Identifiers: Orphanet 263487, MedGen C3150876, MONDO:0013325, OMIM 613612.
COG5-related disorder. Also called: COG5-related condition.

Allele frequency attached by ClinVar (database versions not stated): ExAC 0.00002; gnomAD exomes 0.00002; gnomAD 0.00003 and 0.00004; TOPMed 0.00004.
gnomAD v4.1: 131 of 1,613,838 alleles (0.0081%); highest among the groups gnomAD compares: Middle Eastern, 0.31%; no homozygotes.

Submissions (3):

Labcorp Genetics (formerly Invitae), Labcorp
Classification: Likely benign for COG5-congenital disorder of glycosylation. Last evaluated: 2025-10-02. Review status: criteria provided, single submitter. Criteria: Invitae Variant Classification Sherloc (09022015). Collection method: clinical testing. Allele origin: germline.

GeneDx
Classification: Likely benign. Last evaluated: 2018-03-22. Review status: criteria provided, single submitter. Criteria: GeneDx Variant Classification (06012015). Collection method: clinical testing. Allele origin: germline. Affected: yes.
Comment: This variant is considered likely benign or benign based on one or more of the following criteria: it is a conservative change, it occurs at a poorly conserved position in the protein, it is predicted to be benign by multiple in silico algorithms, and/or has population frequency not consistent with disease.

PreventionGenetics, part of Exact Sciences
Classification: Likely benign for COG5-related condition. Last evaluated: 2024-01-11. Review status: no assertion criteria provided. Collection method: clinical testing. Allele origin: germline. Not counted in ClinVar's aggregate classification.
Comment: This variant is classified as likely benign based on ACMG/AMP sequence variant interpretation guidelines (Richards et al. 2015 PMID: 25741868, with internal and published modifications).